The following is an entry in ClinVar:

NM_001271.4(CHD2):c.5295C>G (p.Phe1765Leu)

Gene: CHD2 (chromodomain helicase DNA binding protein 2; plus strand). Cytogenetic location: 15q26.1.
Variant type: single nucleotide variant.
Coding change: c.5295C>G on transcript NM_001271.4 (MANE Select); coding-DNA position 5295, C replaced by G.
Protein change: p.Phe1765Leu; replaces phenylalanine 1765 with leucine.
Molecular consequence: missense variant.
Genome position (GRCh38, 1-based): chr15:93,024,513, C>G. VCF-style: chr15-93024513-C-G. GRCh37 (hg19) VCF-style: chr15-93567743-C-G.
Other names: short protein forms F1765L.
Identifiers: ClinVar variation 3253345 (VCV003253345.2), dbSNP rs756416834.

ClinVar aggregate classification (germline): Uncertain significance. Review status: criteria provided, multiple submitters, no conflicts (2 of 4 stars). 2 submissions from 2 submitters: Uncertain significance (2). Last evaluated 2024-09-29.

Conditions:
Developmental and epileptic encephalopathy 94 (DEE94). Also called: Epileptic encephalopathy, childhood-onset; CHD2-Related Neurodevelopmental Disorders. Identifiers: Orphanet 1942, Orphanet 2382, MedGen C3809278, MONDO:0014150, OMIM 615369.

gnomAD v4.1: 1 of 1,614,208 alleles (0.000062%); highest among the groups gnomAD compares: Admixed American, 0.0017%; no homozygotes.

Submissions (2):

Labcorp Genetics (formerly Invitae), Labcorp
Classification: Uncertain significance for Developmental and epileptic encephalopathy 94. Last evaluated: 2024-09-29. Review status: criteria provided, single submitter. Criteria: Invitae Variant Classification Sherloc (09022015). Collection method: clinical testing. Allele origin: germline.
Comment: This sequence change replaces phenylalanine, which is neutral and non-polar, with leucine, which is neutral and non-polar, at codon 1765 of the CHD2 protein (p.Phe1765Leu). This variant is present in population databases (no rsID available, gnomAD 0.003%). This variant has not been reported in the literature in individuals affected with CHD2-related conditions. Invitae Evidence Modeling of protein sequence and biophysical properties (such as structural, functional, and spatial information, amino acid conservation, physicochemical variation, residue mobility, and thermodynamic stability) indicates that this missense variant is not expected to disrupt CHD2 protein function with a negative predictive value of 95%. In summary, the available evidence is currently insufficient to determine the role of this variant in disease. Therefore, it has been classified as a Variant of Uncertain Significance.

GeneDx
Classification: Uncertain significance. Last evaluated: 2023-08-21. Review status: criteria provided, single submitter. Criteria: GeneDx Variant Classification Process June 2021. Collection method: clinical testing. Allele origin: germline. Affected: yes.
Comment: In silico analysis supports that this missense variant does not alter protein structure/function; Has not been previously published as pathogenic or benign to our knowledge